The following is an entry in ClinVar:

ClinVar aggregate classification (germline): Uncertain significance (1 of 4 stars; one submission).

Conditions:
Mosaic variegated aneuploidy syndrome 2 (MVA2). Identifiers: Orphanet 1052, MedGen C3279843, MONDO:0013582, OMIM 614114.

Allele frequency attached by ClinVar (database versions not stated): gnomAD exomes below 0.00001; ExAC 0.00001.

Submission:

Labcorp Genetics (formerly Invitae), Labcorp
Classification: Uncertain significance for Mosaic variegated aneuploidy syndrome 2. Last evaluated: 2022-10-19. Review status: criteria provided, single submitter. Criteria: Invitae Variant Classification Sherloc (09022015). Collection method: clinical testing. Allele origin: germline.
Comment: In summary, the available evidence is currently insufficient to determine the role of this variant in disease. Therefore, it has been classified as a Variant of Uncertain Significance. Advanced modeling of protein sequence and biophysical properties (such as structural, functional, and spatial information, amino acid conservation, physicochemical variation, residue mobility, and thermodynamic stability) performed at Invitae indicates that this missense variant is not expected to disrupt CEP57 protein function. This variant has not been reported in the literature in individuals affected with CEP57-related conditions. This variant is present in population databases (rs750363422, gnomAD 0.004%). This sequence change replaces histidine, which is basic and polar, with tyrosine, which is neutral and polar, at codon 218 of the CEP57 protein (p.His218Tyr).

NM_014679.5(CEP57):c.652C>T (p.His218Tyr)

Gene: CEP57 (centrosomal protein 57; plus strand). Cytogenetic location: 11q21.
Variant type: single nucleotide variant.
Coding change: c.652C>T on transcript NM_014679.5 (MANE Select); coding-DNA position 652, C replaced by T.
Protein change: p.His218Tyr; replaces histidine 218 with tyrosine.
Molecular consequence: missense variant.
Genome position (GRCh38, 1-based): chr11:95,818,857, C>T. VCF-style: chr11-95818857-C-T. GRCh37 (hg19) VCF-style: chr11-95552021-C-T.
Other names: c.625C>T, p.His209Tyr (NM_001243776.2); c.652C>T, p.His218Tyr (NM_001243777.2); c.571C>T, p.His191Tyr (NM_001363604.2); short protein forms H191Y, H209Y, H218Y.
Identifiers: ClinVar variation 1716539 (VCV001716539.5), dbSNP rs750363422, ClinGen allele CA6239554.